The following is an entry in ClinVar:

ClinVar aggregate classification (germline): Benign/Likely benign. Review status: criteria provided, multiple submitters, no conflicts (2 of 4 stars). 2 submissions from 2 submitters: Benign (1); Likely benign (1). Last evaluated 2025-03-06.

Conditions:
Hereditary cancer-predisposing syndrome. Also called: Tumor predisposition; Neoplastic Syndromes, Hereditary; Hereditary Cancer Syndrome; Hereditary neoplastic syndrome. Identifiers: Orphanet 140162, MedGen C0027672, MeSH D009386, MONDO:0015356.
Lynch syndrome 5 (LYNCH5). Also called: Hereditary non-polyposis colorectal cancer, type 5; Colorectal cancer, hereditary nonpolyposis, type 5. Identifiers: Orphanet 144, MedGen C1833477, MONDO:0013710, OMIM 614350. Disease mechanism: loss of function.

Submissions (2):

Ambry Genetics
Classification: Likely benign for Hereditary cancer-predisposing syndrome. Last evaluated: 2025-03-06. Review status: criteria provided, single submitter. Criteria: Ambry Variant Classification Scheme 2023. Collection method: clinical testing. Allele origin: germline.

Myriad Genetics, Inc.
Classification: Benign for Lynch syndrome 5. Last evaluated: 2024-12-31. Review status: criteria provided, single submitter. Criteria: Myriad Autosomal Dominant, Autosomal Recessive and X-Linked Classification Criteria (2023). Collection method: clinical testing. Allele origin: unknown.
Comment: This variant is considered benign. This variant is a silent/synonymous amino acid change and it is not expected to impact splicing.

NM_000179.3(MSH6):c.2589A>G (p.Glu863=)

Gene: MSH6 (mutS homolog 6; plus strand). Cytogenetic location: 2p16.3.
Variant type: single nucleotide variant.
Coding change: c.2589A>G on transcript NM_000179.3 (MANE Select); coding-DNA position 2589, A replaced by G.
Protein change: p.Glu863=; no amino-acid change (glutamic acid 863 retained).
Molecular consequence: synonymous variant. On other transcripts: non-coding transcript variant (5), intron variant (3).
Genome position (GRCh38, 1-based): chr2:47,800,572, A>G. VCF-style: chr2-47800572-A-G. GRCh37 (hg19) VCF-style: chr2-48027711-A-G.
Other names: c.2292A>G, p.Glu764= (NM_001406820.1, NM_001406819.1, NM_001406821.1 and 10 more transcripts); c.1683A>G, p.Glu561= (NM_001406823.1, NM_001281493.2, NM_001281494.2 and 6 more transcripts); c.2421A>G, p.Glu807= (NM_001406826.1); c.2199A>G, p.Glu733= (NM_001281492.2); c.2685A>G, p.Glu895= (NM_001406795.1, NM_001406802.1); c.2589A>G, p.Glu863= (NM_001406796.1, NM_001406798.1, NM_001406800.1 and 2 more transcripts); c.2064A>G, p.Glu688= (NM_001406799.1, NM_001406806.1, NM_001406807.1); c.2511A>G, p.Glu837= (NM_001406804.1); and 4 more.
Identifiers: ClinVar variation 3875104 (VCV003875104.2).
Genomic context (GRCh38, chr2:47,800,572, plus strand): 5'-AATGTATGAAGAAACTACATACAGCAAGAAGAAGATTATTGATTTTCTTTCTGCTCTGGA[A>G]GGATTCAAAGTAATGTGTAAAATTATAGGGATCATGGAAGAAGTTGCTGATGGTTTTAAG-3'
Protein context (NP_000170.1, residues 853-873): KKIIDFLSAL[Glu863=]GFKVMCKIIG